The following is an entry in ClinVar:

ClinVar aggregate classification (germline): Uncertain significance. Review status: criteria provided, multiple submitters, no conflicts (2 of 4 stars). 2 submissions from 2 submitters: Uncertain significance (2). Last evaluated 2022-09-26.

Conditions:
Leber congenital amaurosis 5 (LCA5). Also called: Amaurosis congenita of Leber, type 5. Identifiers: Orphanet 65, MedGen C1858301, MONDO:0011473, OMIM 604537.

Allele frequency attached by ClinVar (database versions not stated): gnomAD exomes below 0.00001.

Submissions (2):

Labcorp Genetics (formerly Invitae), Labcorp
Classification: Uncertain significance. Last evaluated: 2022-09-26. Review status: criteria provided, single submitter. Criteria: Invitae Variant Classification Sherloc (09022015). Collection method: clinical testing. Allele origin: germline.
Comment: This sequence change replaces phenylalanine, which is neutral and non-polar, with serine, which is neutral and polar, at codon 657 of the LCA5 protein (p.Phe657Ser). This variant is not present in population databases (gnomAD no frequency). This variant has not been reported in the literature in individuals affected with LCA5-related conditions. ClinVar contains an entry for this variant (Variation ID: 911363). Algorithms developed to predict the effect of missense changes on protein structure and function output the following: SIFT: "Deleterious"; PolyPhen-2: "Benign"; Align-GVGD: "Class C0". The serine amino acid residue is found in multiple mammalian species, which suggests that this missense change does not adversely affect protein function. In summary, the available evidence is currently insufficient to determine the role of this variant in disease. Therefore, it has been classified as a Variant of Uncertain Significance.

Illumina Laboratory Services, Illumina
Classification: Uncertain significance for Leber congenital amaurosis 5. Last evaluated: 2018-01-12. Review status: criteria provided, single submitter. Criteria: ICSL Variant Classification Criteria 13 December 2019. Collection method: clinical testing. Allele origin: germline.

NM_001122769.3(LCA5):c.1970T>C (p.Phe657Ser)

Gene: LCA5 (lebercilin LCA5; minus strand). Cytogenetic location: 6q14.1.
Variant type: single nucleotide variant.
Coding change: c.1970T>C on transcript NM_001122769.3 (MANE Select); coding-DNA position 1970, T replaced by C.
Protein change: p.Phe657Ser; replaces phenylalanine 657 with serine.
Molecular consequence: missense variant.
Genome position (GRCh38, 1-based): chr6:79,487,128, A>G on the plus strand (T>C on the coding strand, the complement: LCA5 is on the minus strand). VCF-style: chr6-79487128-A-G. GRCh37 (hg19) VCF-style: chr6-80196845-A-G.
Other names: c.1970T>C, p.Phe657Ser (NM_181714.4); short protein forms F657S.
Identifiers: ClinVar variation 911363 (VCV000911363.9), dbSNP rs1769683386, ClinGen allele CA364637085.
Genomic context (GRCh38, chr6:79,487,128, plus strand): 5'-TCGTCTGCATGTTTTAATCGGTGCCTATTTGGATTAAAACTTCTTCCTTCACTGAGGAAA[A>G]AGCCTTCATCTTCATCATGTTCTTGATCTCTGCTGCCTTTATTCCCAGGGAGAAAATTTA-3'
Protein context (NP_001116241.1, residues 647-667): RDQEHDEDEG[Phe657Ser]FLSEGRSFNP